The following is an entry in ClinVar:

NM_000303.3(PMM2):c.447A>T (p.Lys149Asn)

Gene: PMM2 (phosphomannomutase 2; plus strand). Cytogenetic location: 16p13.2.
Variant type: single nucleotide variant.
Coding change: c.447A>T on transcript NM_000303.3 (MANE Select); coding-DNA position 447, A replaced by T.
Protein change: p.Lys149Asn; replaces lysine 149 with asparagine.
Molecular consequence: missense variant.
Genome position (GRCh38, 1-based): chr16:8,811,178, A>T. VCF-style: chr16-8811178-A-T. GRCh37 (hg19) VCF-style: chr16-8905035-A-T.
Other names: short protein forms K149N.
Identifiers: ClinVar variation 2088937 (VCV002088937.4), dbSNP rs1369976599, ClinGen allele CA394696744.
Genomic context (GRCh38, chr16:8,811,178, plus strand): 5'-GTCCCCTATTGGAAGAAGCTGCAGCCAAGAAGAACGCATTGAGTTCTACGAACTCGATAA[A>T]GTACGTCTTTCTGAAATATCTTTGGTGAATGGCTGGGTTTATGGAAATAAGATATGGCCT-3'
Protein context (NP_000294.1, residues 139-159): EERIEFYELD[Lys149Asn]KENIRQKFVA

ClinVar aggregate classification (germline): Uncertain significance (1 of 4 stars; one submission).

Conditions:
PMM2-congenital disorder of glycosylation. Also called: Congenital disorder of glycosylation, type Ia; PMM2-CDG; CDG Ia; JAEKEN SYNDROME; PHOSPHOMANNOMUTASE 2 DEFICIENCY; CARBOHYDRATE-DEFICIENT GLYCOPROTEIN SYNDROME, TYPE Ia. Identifiers: Orphanet 79318, MedGen C0349653, MONDO:0008907, OMIM 212065.

gnomAD v4.1: 1 of 1,542,616 alleles (0.000065%); highest among the groups gnomAD compares: Admixed American, 0.0019%; no homozygotes.

Submission:

Labcorp Genetics (formerly Invitae), Labcorp
Classification: Uncertain significance for PMM2-congenital disorder of glycosylation. Last evaluated: 2022-07-30. Review status: criteria provided, single submitter. Criteria: Invitae Variant Classification Sherloc (09022015). Collection method: clinical testing. Allele origin: germline.
Comment: This sequence change replaces lysine, which is basic and polar, with asparagine, which is neutral and polar, at codon 149 of the PMM2 protein (p.Lys149Asn). This variant is not present in population databases (gnomAD no frequency). This variant has not been reported in the literature in individuals affected with PMM2-related conditions. Algorithms developed to predict the effect of missense changes on protein structure and function (SIFT, PolyPhen-2, Align-GVGD) all suggest that this variant is likely to be tolerated. In summary, the available evidence is currently insufficient to determine the role of this variant in disease. Therefore, it has been classified as a Variant of Uncertain Significance.